The following is an entry in ClinVar:

Conditions:
Autosomal recessive congenital ichthyosis 1 (LI1). Also called: DESQUAMATION OF NEWBORN; ICHTHYOSIS CONGENITA; ICHTHYOSIS CONGENITA II; LAMELLAR EXFOLIATION OF NEWBORN; ICHTHYOSIS, CONGENITAL, AUTOSOMAL RECESSIVE 1, WITH BATHING SUIT DISTRIBUTION; COLLODION FETUS. Identifiers: MedGen C4551630, MONDO:0009441, OMIM 242300.

Submission:

Medical Genetics Laboratory, West China Hospital, Sichuan University
No classification provided (evidence only). Condition: Autosomal recessive congenital ichthyosis 1. Review status: no classification provided. Criteria: ACMG Guidelines, 2015. Collection method: in vitro. Allele origin: not applicable. Inheritance: Autosomal recessive inheritance. Functional consequence: variation affecting protein.
Comment: Variant c.1019 G>A was evaluated to be deleterious by PolyPhen-2, PROVEAN and Mutation Taster and amino acid was highly conserved in multiple species. Additionally, in vitro functional studies indicated that TGM1 protein expression levels significantly decreased in cells with c.1019 G>A mutations.

"Pathogenic" was previously submitted as the classification for the variant. However, the classification appeared to be based only on an observation of functional data so it was converted to no classification on 2025-07-30.

NM_000359.3(TGM1):c.1019G>A (p.Gly340Glu)

Gene: TGM1 (transglutaminase 1; minus strand). Cytogenetic location: 14q12.
Variant type: single nucleotide variant.
Coding change: c.1019G>A on transcript NM_000359.3 (MANE Select); coding-DNA position 1019, G replaced by A.
Protein change: p.Gly340Glu; replaces glycine 340 with glutamic acid.
Molecular consequence: missense variant.
Genome position (GRCh38, 1-based): chr14:24,259,215, C>T on the plus strand (G>A on the coding strand, the complement: TGM1 is on the minus strand). VCF-style: chr14-24259215-C-T. GRCh37 (hg19) VCF-style: chr14-24728421-C-T.
Other names: short protein forms G340E.
Identifiers: ClinVar variation 813833 (VCV000813833.4), dbSNP rs867950920, ClinGen allele CA389265256.
Genomic context (GRCh38, chr14:24,259,215, plus strand): 5'-TCCACGCTGCCCACCCACGCTGATGGGTTGGTGCCTCGGGAGTAATCACCAGACCAGTTC[C>T]CAATCAGGACTCCATTGTCATCCAGGGAGTTCACCTGCCCAGGACAGGATGAGATAGGGC-3'
Protein context (NP_000350.1, residues 330-350): NSLDDNGVLI[Gly340Glu]NWSGDYSRGT